The following is an entry in ClinVar:

ClinVar aggregate classification (germline): Conflicting classifications of pathogenicity. Review status: criteria provided, conflicting classifications (1 of 4 stars). 2 submissions from 2 submitters: Uncertain significance (1); Likely benign (1). Last evaluated 2026-01-08.

Conditions:
Hereditary cancer-predisposing syndrome. Also called: Tumor predisposition; Hereditary neoplastic syndrome; Hereditary Cancer Syndrome; Neoplastic Syndromes, Hereditary. Identifiers: Orphanet 140162, MedGen C0027672, MeSH D009386, MONDO:0015356.

Allele frequency attached by ClinVar (database versions not stated): gnomAD exomes below 0.00001; TOPMed below 0.00001.
gnomAD v4.1: 4 of 1,562,810 alleles (0.00026%); highest among the groups gnomAD compares: Non-Finnish European, 0.00026%; no homozygotes.

Submissions (2):

Ambry Genetics
Classification: Uncertain significance for Hereditary cancer-predisposing syndrome. Last evaluated: 2026-01-08. Review status: criteria provided, single submitter. Criteria: Ambry Variant Classification Scheme 2023. Collection method: clinical testing. Allele origin: germline.
Comment: The c.2173+5G>A intronic variant results from a G to A substitution 5 nucleotides after coding exon 19 in the POLE gene. This nucleotide position is well conserved in available vertebrate species. In silico splice site analysis predicts that this alteration will not have any significant effect on splicing. Based on the available evidence, the clinical significance of this variant remains unclear.

Labcorp Genetics (formerly Invitae), Labcorp
Classification: Likely benign. Last evaluated: 2025-12-24. Review status: criteria provided, single submitter. Criteria: Invitae Variant Classification Sherloc (09022015). Collection method: clinical testing. Allele origin: germline.

NM_006231.4(POLE):c.2173+5G>A

Gene: POLE (DNA polymerase epsilon, catalytic subunit; minus strand). Cytogenetic location: 12q24.33.
Variant type: single nucleotide variant.
Coding change: c.2173+5G>A on transcript NM_006231.4 (MANE Select); 5 bases into the intron after coding-DNA position 2173, G replaced by A.
Molecular consequence: intron variant.
Genome position (GRCh38, 1-based): chr12:132,668,351, C>T on the plus strand (G>A on the coding strand, the complement: POLE is on the minus strand). VCF-style: chr12-132668351-C-T. GRCh37 (hg19) VCF-style: chr12-133244937-C-T.
Identifiers: ClinVar variation 240428 (VCV000240428.17), dbSNP rs878854849, ClinGen allele CA10583013.